The following is an entry in ClinVar:

ClinVar aggregate classification (germline): Uncertain significance. Review status: criteria provided, multiple submitters, no conflicts (2 of 4 stars). 2 submissions from 2 submitters: Uncertain significance (2). Last evaluated 2025-01-14.

Conditions:
Inborn genetic diseases. Identifiers: MedGen C0950123, MeSH D030342.
Spondyloepimetaphyseal dysplasia, PAPSS2 type. Also called: SEMD, PAKISTANI TYPE; BRACHYOLMIA TYPE 4 WITH MILD EPIPHYSEAL AND METAPHYSEAL CHANGES; SPONDYLODYSPLASIA AND PREMATURE PUBARCHE. Identifiers: Orphanet 93282, MedGen C2748516, MONDO:0019666, OMIM 612847.

Allele frequency attached by ClinVar (database versions not stated): gnomAD 0.00011; TOPMed 0.00012; ExAC 0.00021; 1000 Genomes Project 30x 0.00031; 1000 Genomes Project 0.00040.

Submissions (2):

Ambry Genetics
Classification: Uncertain significance for Inborn genetic diseases. Last evaluated: 2025-01-14. Review status: criteria provided, single submitter. Criteria: Ambry Variant Classification Scheme 2023. Collection method: clinical testing. Allele origin: germline.

Labcorp Genetics (formerly Invitae), Labcorp
Classification: Uncertain significance for Spondyloepimetaphyseal dysplasia, PAPSS2 type. Last evaluated: 2022-06-08. Review status: criteria provided, single submitter. Criteria: Invitae Variant Classification Sherloc (09022015). Collection method: clinical testing. Allele origin: germline.
Comment: This sequence change replaces arginine, which is basic and polar, with tryptophan, which is neutral and slightly polar, at codon 314 of the PAPSS2 protein (p.Arg314Trp). This variant is present in population databases (rs199576612, gnomAD 0.03%). This variant has not been reported in the literature in individuals affected with PAPSS2-related conditions. Algorithms developed to predict the effect of missense changes on protein structure and function are either unavailable or do not agree on the potential impact of this missense change (SIFT: "Deleterious"; PolyPhen-2: "Benign"; Align-GVGD: "Class C0"). In summary, the available evidence is currently insufficient to determine the role of this variant in disease. Therefore, it has been classified as a Variant of Uncertain Significance.

NM_001015880.2(PAPSS2):c.940C>T (p.Arg314Trp)

Gene: PAPSS2 (3'-phosphoadenosine 5'-phosphosulfate synthase 2; plus strand). Cytogenetic location: 10q23.31.
Variant type: single nucleotide variant.
Coding change: c.940C>T on transcript NM_001015880.2 (MANE Select); coding-DNA position 940, C replaced by T.
Protein change: p.Arg314Trp; replaces arginine 314 with tryptophan.
Molecular consequence: missense variant.
Genome position (GRCh38, 1-based): chr10:87,727,343, C>T. VCF-style: chr10-87727343-C-T. GRCh37 (hg19) VCF-style: chr10-89487100-C-T.
Other names: c.925C>T, p.Arg309Trp (NM_004670.4); short protein forms R314W, R309W.
Identifiers: ClinVar variation 2044520 (VCV002044520.3), dbSNP rs199576612, ClinGen allele CA5589611.